The following is an entry in ClinVar:

NM_005912.3(MC4R):c.776C>T (p.Ala259Val)

Gene: MC4R (melanocortin 4 receptor; minus strand). Cytogenetic location: 18q21.32.
Variant type: single nucleotide variant.
Coding change: c.776C>T on transcript NM_005912.3 (MANE Select); coding-DNA position 776, C replaced by T.
Protein change: p.Ala259Val; replaces alanine 259 with valine.
Molecular consequence: missense variant.
Genome position (GRCh38, 1-based): chr18:60,371,574, G>A on the plus strand (C>T on the coding strand, the complement: MC4R is on the minus strand). VCF-style: chr18-60371574-G-A. GRCh37 (hg19) VCF-style: chr18-58038807-G-A.
Other names: short protein forms A259V.
Identifiers: ClinVar variation 327712 (VCV000327712.8), dbSNP rs762825773, ClinGen allele CA8980838.

ClinVar aggregate classification (germline): Uncertain significance. Review status: criteria provided, multiple submitters, no conflicts (2 of 4 stars). 2 submissions from 2 submitters: Uncertain significance (2). Last evaluated 2026-09-16.

Conditions:
Obesity. Also called: Obesity disorder. Identifiers: Orphanet 71529, MedGen C0028754, MeSH D009765, MONDO:0011122, HP:0001513.
MC4R-related disorder. Also called: MC4R-related condition.

Allele frequency attached by ClinVar (database versions not stated): ExAC 0.00002; gnomAD 0.00003; gnomAD exomes 0.00003 and 0.00004; TOPMed 0.00007.
gnomAD v4.1: 23 of 1,614,080 alleles (0.0014%); highest among the groups gnomAD compares: Admixed American, 0.03%; no homozygotes.

Submissions (2):

PreventionGenetics, part of Exact Sciences
Classification: Uncertain significance for MC4R-related condition. Last evaluated: 2026-09-16. Review status: criteria provided, single submitter. Criteria: ACMG Guidelines, 2015. Collection method: clinical testing. Allele origin: germline.
Comment: The MC4R c.776C>T variant is predicted to result in the amino acid substitution p.Ala259Val. This variant has been reported in an individual with early-onset obesity and macoorchidism (Serra-Juhé et al. 2019. PubMed ID: 30926952). At PreventionGenetics, this variant has been observed in the homozygous state and in trans with a likely pathogenic MC4R variant in individuals with obesity (Internal Data). Another variant affecting the same amino acid (p.Ala259Asp) has also been reported in an individual with obesity (Gimeno-Ferrer et al. 2019. PubMed ID: 30981838). This variant is reported in 0.023% of alleles in individuals of Latino descent in gnomAD. Although we suspect that this variant may be pathogenic, at this time, the clinical significance of this variant is uncertain due to the absence of conclusive functional and genetic evidence.

Illumina Laboratory Services, Illumina
Classification: Uncertain significance for Inherited obesity. Last evaluated: 2018-01-12. Review status: criteria provided, single submitter. Criteria: ICSL Variant Classification Criteria 13 December 2019. Collection method: clinical testing. Allele origin: germline.